The following is an entry in ClinVar:

ClinVar aggregate classification (germline): Likely pathogenic (1 of 4 stars; one submission).

Submission:

Labcorp Genetics (formerly Invitae), Labcorp
Classification: Likely pathogenic. Last evaluated: 2023-01-17. Review status: criteria provided, single submitter. Criteria: Invitae Variant Classification Sherloc (09022015). Collection method: clinical testing. Allele origin: germline.
Comment: In summary, the currently available evidence indicates that the variant is pathogenic, but additional data are needed to prove that conclusively. Therefore, this variant has been classified as Likely Pathogenic. Algorithms developed to predict the effect of sequence changes on RNA splicing suggest that this variant may disrupt the consensus splice site. This variant has not been reported in the literature in individuals affected with PCDH15-related conditions. This variant is not present in population databases (gnomAD no frequency). This sequence change affects an acceptor splice site in intron 16 of the PCDH15 gene. It is expected to disrupt RNA splicing. Variants that disrupt the donor or acceptor splice site typically lead to a loss of protein function (PMID: 16199547), and loss-of-function variants in PCDH15 are known to be pathogenic (PMID: 11398101, 11487575, 14570705).

Literature cited by the submitters: PubMed 16199547; PubMed 11398101; PubMed 11487575; PubMed 14570705.

NM_001384140.1(PCDH15):c.1998-1G>A

Gene: PCDH15 (protocadherin related 15; minus strand). Cytogenetic location: 10q21.1.
Variant type: single nucleotide variant.
Coding change: c.1998-1G>A on transcript NM_001384140.1 (MANE Select); the canonical splice acceptor site of the intron before coding-DNA position 1998, G replaced by A.
Molecular consequence: splice acceptor variant.
Genome position (GRCh38, 1-based): chr10:54,079,425, C>T on the plus strand (G>A on the coding strand, the complement: PCDH15 is on the minus strand). VCF-style: chr10-54079425-C-T. GRCh37 (hg19) VCF-style: chr10-55839185-C-T.
Other names: c.1998-1G>A (NM_001354420.2, NM_001354429.2, NM_001142772.2 and 5 more transcripts); c.2013-1G>A (NM_001142771.2, NM_001142763.2); c.2019-1G>A (NM_001354411.2); c.2034-1G>A (NM_001142769.3); c.1932-1G>A (NM_001354404.2, NM_001142773.2, NM_001142768.2); c.1887-1G>A (NM_001142767.2); c.1785-1G>A (NM_001142765.2).
Identifiers: ClinVar variation 2967413 (VCV002967413.3), dbSNP rs2539902540, ClinGen allele CA376521140.